The following is an entry in ClinVar:

ClinVar aggregate classification (germline): Uncertain significance. Review status: criteria provided, multiple submitters, no conflicts (2 of 4 stars). 2 submissions from 2 submitters: Uncertain significance (2). Last evaluated 2026-06-01.

Conditions:
Inborn genetic diseases. Identifiers: MedGen C0950123, MeSH D030342.

Submissions (2):

Ambry Genetics
Classification: Uncertain significance for Inborn genetic diseases. Last evaluated: 2026-06-01. Review status: criteria provided, single submitter. Criteria: Ambry Variant Classification Scheme 2023. Collection method: clinical testing. Allele origin: germline.
Comment: The p.L446R variant (also known as c.1337T>G), located in coding exon 5 of the MBD4 gene, results from a T to G substitution at nucleotide position 1337. The leucine at codon 446 is replaced by arginine, an amino acid with dissimilar properties. This amino acid position is conserved. In addition, this alteration is predicted to be deleterious by in silico analysis. Based on the available evidence, the clinical significance of this variant remains unclear.

Labcorp Genetics (formerly Invitae), Labcorp
Classification: Uncertain significance. Last evaluated: 2025-10-07. Review status: criteria provided, single submitter. Criteria: Invitae Variant Classification Sherloc (09022015). Collection method: clinical testing. Allele origin: germline.
Comment: This sequence change replaces leucine, which is neutral and non-polar, with arginine, which is basic and polar, at codon 452 of the MBD4 protein (p.Leu452Arg). This variant is not present in population databases (gnomAD no frequency). This variant has not been reported in the literature in individuals affected with MBD4-related conditions. ClinVar contains an entry for this variant (Variation ID: 2791503). An algorithm developed to predict the effect of missense changes on protein structure and function (PolyPhen-2) suggests that this variant is likely to be disruptive. In summary, the available evidence is currently insufficient to determine the role of this variant in disease. Therefore, it has been classified as a Variant of Uncertain Significance.

NM_001276270.2(MBD4):c.1337T>G (p.Leu446Arg)

Gene: MBD4 (methyl-CpG binding domain 4, DNA glycosylase; minus strand). Cytogenetic location: 3q21.3.
Variant type: single nucleotide variant.
Coding change: c.1337T>G on transcript NM_001276270.2 (MANE Select); coding-DNA position 1337, T replaced by G.
Protein change: p.Leu446Arg; replaces leucine 446 with arginine.
Molecular consequence: missense variant.
Genome position (GRCh38, 1-based): chr3:129,433,906, A>C on the plus strand (T>G on the coding strand, the complement: MBD4 is on the minus strand). VCF-style: chr3-129433906-A-C. GRCh37 (hg19) VCF-style: chr3-129152749-A-C.
Other names: c.1355T>G, p.Leu452Arg (NM_001276271.2, NM_001276272.2, NM_003925.3); c.401T>G, p.Leu134Arg (NM_001276273.2); short protein forms L134R, L446R, L452R.
Identifiers: ClinVar variation 2791503 (VCV002791503.4), dbSNP rs2530704828, ClinGen allele CA354465810.